The following is an entry in ClinVar:

NM_012330.4(KAT6B):c.6079A>G (p.Met2027Val)

Gene: KAT6B (lysine acetyltransferase 6B; plus strand). Cytogenetic location: 10q22.2.
Variant type: single nucleotide variant.
Coding change: c.6079A>G on transcript NM_012330.4 (MANE Select); coding-DNA position 6079, A replaced by G.
Protein change: p.Met2027Val; replaces methionine 2027 with valine.
Molecular consequence: missense variant.
Genome position (GRCh38, 1-based): chr10:75,030,903, A>G. VCF-style: chr10-75030903-A-G. GRCh37 (hg19) VCF-style: chr10-76790661-A-G.
Other names: c.5530A>G, p.Met1844Val (NM_001256468.2, NM_001370138.1); c.5203A>G, p.Met1735Val (NM_001370140.1, NM_001370141.1, NM_001370142.1 and 2 more transcripts); c.5014A>G, p.Met1672Val (NM_001370143.1, NM_001370144.1); c.5041A>G, p.Met1681Val (NM_001370132.1); c.4390A>G, p.Met1464Val (NM_001370133.1); c.3994A>G, p.Met1332Val (NM_001370134.1); c.3736A>G, p.Met1246Val (NM_001370135.1); c.6079A>G, p.Met2027Val (NM_001370136.1, NM_001370137.1); short protein forms M1246V, M1332V, M1464V, M1672V, M1681V, M1735V, M1844V, M2027V.
Identifiers: ClinVar variation 1311877 (VCV001311877.5), dbSNP rs1564633848, ClinGen allele CA377302940.

ClinVar aggregate classification (germline): Uncertain significance. Review status: criteria provided, multiple submitters, no conflicts (2 of 4 stars). 2 submissions from 2 submitters: Uncertain significance (2). Last evaluated 2024-01-25.

Conditions:
Genitopatellar syndrome (GTPTS). Also called: Genitopatellar syndrome (GPS); ABSENT PATELLAE, SCROTAL HYPOPLASIA, RENAL ANOMALIES, FACIAL DYSMORPHISM, AND MENTAL RETARDATION. Identifiers: Orphanet 85201, MedGen C1853566, MONDO:0011640, OMIM 606170.

Allele frequency attached by ClinVar (database versions not stated): gnomAD exomes below 0.00001.
gnomAD v4.1: 1 of 1,613,992 alleles (0.000062%); highest among the groups gnomAD compares: Admixed American, 0.0017%; no homozygotes.

Submissions (2):

Labcorp Genetics (formerly Invitae), Labcorp
Classification: Uncertain significance for Genitopatellar syndrome. Last evaluated: 2024-01-25. Review status: criteria provided, single submitter. Criteria: Invitae Variant Classification Sherloc (09022015). Collection method: clinical testing. Allele origin: germline.
Comment: This sequence change replaces methionine, which is neutral and non-polar, with valine, which is neutral and non-polar, at codon 2027 of the KAT6B protein (p.Met2027Val). This variant is not present in population databases (gnomAD no frequency). This variant has not been reported in the literature in individuals affected with KAT6B-related conditions. ClinVar contains an entry for this variant (Variation ID: 1311877). An algorithm developed to predict the effect of missense changes on protein structure and function (PolyPhen-2) suggests that this variant is likely to be disruptive. In summary, the available evidence is currently insufficient to determine the role of this variant in disease. Therefore, it has been classified as a Variant of Uncertain Significance.

GeneDx
Classification: Uncertain significance. Last evaluated: 2020-01-15. Review status: criteria provided, single submitter. Criteria: GeneDx Variant Classification Process June 2021. Collection method: clinical testing. Allele origin: germline. Affected: yes.
Comment: Not observed in large population cohorts (Lek et al., 2016); In silico analysis, which includes protein predictors and evolutionary conservation, supports a deleterious effect; Has not been previously published as pathogenic or benign to our knowledge